The following is an entry in ClinVar:

ClinVar aggregate classification (germline): Uncertain significance (1 of 4 stars; one submission).

Allele frequency attached by ClinVar (database versions not stated): ExAC 0.00001; gnomAD 0.00001; gnomAD exomes 0.00001.
gnomAD v4.1: 10 of 1,613,300 alleles (0.00062%); highest among the groups gnomAD compares: South Asian, 0.0077%; no homozygotes.

Submission:

Ambry Genetics
Classification: Uncertain significance. Last evaluated: 2021-12-10. Review status: criteria provided, single submitter. Criteria: Ambry Variant Classification Scheme 2023. Collection method: clinical testing. Allele origin: germline.
Comment: The p.I583F variant (also known as c.1747A>T), located in coding exon 16 of the RAD54L gene, results from an A to T substitution at nucleotide position 1747. The isoleucine at codon 583 is replaced by phenylalanine, an amino acid with highly similar properties. This amino acid position is conserved. In addition, this alteration is predicted to be deleterious by in silico analysis. Since supporting evidence is limited at this time, the clinical significance of this alteration remains unclear.

NM_003579.4(RAD54L):c.1747A>T (p.Ile583Phe)

Gene: RAD54L (RAD54 like; plus strand). Cytogenetic location: 1p34.1.
Variant type: single nucleotide variant.
Coding change: c.1747A>T on transcript NM_003579.4 (MANE Select); coding-DNA position 1747, A replaced by T.
Protein change: p.Ile583Phe; replaces isoleucine 583 with phenylalanine.
Molecular consequence: missense variant.
Genome position (GRCh38, 1-based): chr1:46,274,595, A>T. VCF-style: chr1-46274595-A-T. GRCh37 (hg19) VCF-style: chr1-46740267-A-T.
Other names: c.1747A>T, p.Ile583Phe (NM_001142548.2); c.1207A>T, p.Ile403Phe (NM_001370766.1); short protein forms I403F, I583F.
Identifiers: ClinVar variation 1779319 (VCV001779319.2), dbSNP rs780869836, ClinGen allele CA834709.